The following is an entry in ClinVar:

ClinVar aggregate classification (germline): Conflicting classifications of pathogenicity. Review status: criteria provided, conflicting classifications (1 of 4 stars). 6 submissions from 6 submitters: Uncertain significance (1); Benign (1); Likely benign (3). 1 of the submissions does not count toward it. Last evaluated 2026-01-27.

Conditions:
CTNNA1-related disorder. Also called: CTNNA1-related condition.
Hereditary cancer-predisposing syndrome. Also called: Neoplastic Syndromes, Hereditary; Hereditary neoplastic syndrome; Hereditary Cancer Syndrome; Tumor predisposition. Identifiers: Orphanet 140162, MedGen C0027672, MeSH D009386, MONDO:0015356.
Hereditary diffuse gastric adenocarcinoma (HDGC). Also called: DIFFUSE GASTRIC AND LOBULAR BREAST CANCER SYNDROME. Identifiers: Orphanet 26106, MedGen C1708349, MONDO:0007648, OMIM 137215.

Allele frequency attached by ClinVar (database versions not stated): TOPMed 0.00001; ESP Exome Variant Server 0.00008; 1000 Genomes Project 30x 0.00016; 1000 Genomes Project 0.00020; gnomAD exomes 0.00020 and 0.00046; gnomAD 0.00029 and 0.00031; ExAC 0.00031.
gnomAD v4.1: 333 of 1,613,522 alleles (0.021%); highest among the groups gnomAD compares: Non-Finnish European, 0.0021%; 3 homozygotes.

Submissions (6):

Labcorp Genetics (formerly Invitae), Labcorp
Classification: Benign. Last evaluated: 2026-01-27. Review status: criteria provided, single submitter. Criteria: Invitae Variant Classification Sherloc (09022015). Collection method: clinical testing. Allele origin: germline.

Myriad Genetics, Inc.
Classification: Likely benign for Hereditary diffuse gastric adenocarcinoma. Last evaluated: 2024-10-11. Review status: criteria provided, single submitter. Criteria: Myriad Autosomal Dominant, Autosomal Recessive and X-Linked Classification Criteria (2023). Collection method: clinical testing. Allele origin: unknown.
Comment: This variant is considered likely benign. This variant has been observed at a population frequency that is significantly greater than expected given the associated disease prevalence and penetrance.

Blueprint Genetics
Classification: Likely benign. Last evaluated: 2024-08-14. Review status: criteria provided, single submitter. Criteria: ACMG Guidelines, 2015. Collection method: clinical testing. Allele origin: germline.

GeneDx
Classification: Uncertain significance. Last evaluated: 2023-04-28. Review status: criteria provided, single submitter. Criteria: GeneDx Variant Classification Process June 2021. Collection method: clinical testing. Allele origin: germline. Affected: yes.
Comment: In silico analysis supports that this missense variant does not alter protein structure/function; Observed in an individual with Stargardt disease; no information regarding cancer history was provided (Song et al., 2021); This variant is associated with the following publications: (PMID: 34440443)

Ambry Genetics
Classification: Likely benign for Hereditary cancer-predisposing syndrome. Last evaluated: 2022-01-17. Review status: criteria provided, single submitter. Criteria: Ambry Variant Classification Scheme 2023. Collection method: clinical testing. Allele origin: germline.

PreventionGenetics, part of Exact Sciences
Classification: Benign for CTNNA1-related condition. Last evaluated: 2019-07-12. Review status: no assertion criteria provided. Collection method: clinical testing. Allele origin: germline. Not counted in ClinVar's aggregate classification.
Comment: This variant is classified as benign based on ACMG/AMP sequence variant interpretation guidelines (Richards et al. 2015 PMID: 25741868, with internal and published modifications).

NM_001903.5(CTNNA1):c.1310C>T (p.Ala437Val)

Gene: CTNNA1 (catenin alpha 1; plus strand). Cytogenetic location: 5q31.2.
Variant type: single nucleotide variant.
Coding change: c.1310C>T on transcript NM_001903.5 (MANE Select); coding-DNA position 1310, C replaced by T.
Protein change: p.Ala437Val; replaces alanine 437 with valine.
Molecular consequence: missense variant. On other transcripts: 5 prime UTR variant (6), intron variant (3).
Genome position (GRCh38, 1-based): chr5:138,904,362, C>T. VCF-style: chr5-138904362-C-T. GRCh37 (hg19) VCF-style: chr5-138240051-C-T.
Other names: c.1310C>T, p.Ala437Val (NM_001290307.3, NM_001323982.2, NM_001323983.1 and 2 more transcripts); c.1001C>T, p.Ala334Val (NM_001290309.3); c.941C>T, p.Ala314Val (NM_001290310.3); c.200C>T, p.Ala67Val (NM_001290312.1, NM_001323987.1, NM_001323988.1 and 17 more transcripts); c.-198C>T (NM_001324006.1, NM_001324007.1, NM_001324008.1 and 1 more transcripts); c.-44C>T (NM_001324012.1, NM_001324013.1); c.1297-13380C>T (NM_001323986.2); c.187-13380C>T (NM_001324011.1); and 2 more; short protein forms A314V, A437V, A67V, A334V.
Identifiers: ClinVar variation 699791 (VCV000699791.20), dbSNP rs138782455, ClinGen allele CA3431914.